The following is an entry in ClinVar:

ClinVar aggregate classification (germline): Uncertain significance (1 of 4 stars; one submission).

Allele frequency attached by ClinVar (database versions not stated): gnomAD exomes below 0.00001.
gnomAD v4.1: 3 of 1,608,518 alleles (0.00019%); highest among the groups gnomAD compares: Non-Finnish European, 0.00025%; no homozygotes.

Submission:

Ambry Genetics
Classification: Uncertain significance. Last evaluated: 2023-02-16. Review status: criteria provided, single submitter. Criteria: Ambry Variant Classification Scheme 2023. Collection method: clinical testing. Allele origin: germline.
Comment: The p.S664G variant (also known as c.1990A>G), located in coding exon 18 of the PRKDC gene, results from an A to G substitution at nucleotide position 1990. The serine at codon 664 is replaced by glycine, an amino acid with similar properties. This amino acid position is conserved. In addition, the in silico prediction for this alteration is inconclusive. Since supporting evidence is limited at this time, the clinical significance of this alteration remains unclear.

NM_006904.7(PRKDC):c.1990A>G (p.Ser664Gly)

Gene: PRKDC (protein kinase, DNA-activated, catalytic subunit; minus strand). Cytogenetic location: 8q11.21.
Variant type: single nucleotide variant.
Coding change: c.1990A>G on transcript NM_006904.7 (MANE Select); coding-DNA position 1990, A replaced by G.
Protein change: p.Ser664Gly; replaces serine 664 with glycine.
Molecular consequence: missense variant.
Genome position (GRCh38, 1-based): chr8:47,929,915, T>C on the plus strand (A>G on the coding strand, the complement: PRKDC is on the minus strand). VCF-style: chr8-47929915-T-C. GRCh37 (hg19) VCF-style: chr8-48842475-T-C.
Other names: c.1990A>G, p.Ser664Gly (NM_001081640.2); short protein forms S664G.
Identifiers: ClinVar variation 2497420 (VCV002497420.2), dbSNP rs2551878616, ClinGen allele CA371164208.